The following is an entry in ClinVar:

ClinVar aggregate classification (germline): Benign. Review status: criteria provided, multiple submitters, no conflicts (2 of 4 stars). 2 submissions from 2 submitters: Benign (2). Last evaluated 2018-06-29.

Conditions:
Maple syrup urine disease (MSUD). Identifiers: Orphanet 511, MedGen C0024776, MeSH D008375, MONDO:0009563. Disease mechanism: loss of function.

Allele frequency attached by ClinVar (database versions not stated): 1000 Genomes Project 0.71585; 1000 Genomes Project 30x 0.71799; gnomAD 0.77666 and 0.78187; TOPMed 0.77910.

Submissions (2):

GeneDx
Classification: Benign. Last evaluated: 2018-06-29. Review status: criteria provided, single submitter. Criteria: GeneDx Variant Classification Process June 2021. Collection method: clinical testing. Allele origin: germline. Affected: yes.

Illumina Laboratory Services, Illumina
Classification: Benign for Maple syrup urine disease type 1A. Last evaluated: 2018-01-13. Review status: criteria provided, single submitter. Criteria: ICSL Variant Classification Criteria 13 December 2019. Collection method: clinical testing. Allele origin: germline.
Comment: This variant was observed in the ICSL laboratory as part of a predisposition screen in an ostensibly healthy population. It had not been previously curated by ICSL or reported in the Human Gene Mutation Database (HGMD: prior to June 1st, 2018), and was therefore a candidate for classification through an automated scoring system. Utilizing variant allele frequency, disease prevalence and penetrance estimates, and inheritance mode, an automated score was calculated to assess if this variant is too frequent to cause the disease. Based on the score and internal cut-off values, a variant classified as benign is not then subjected to further curation. The score for this variant resulted in a classification of benign for this disease.

NM_183050.4(BCKDHB):c.*2271G>A

Gene: BCKDHB (branched chain keto acid dehydrogenase E1 subunit beta; plus strand). Cytogenetic location: 6q14.1.
Variant type: single nucleotide variant.
Coding change: c.*2271G>A on transcript NM_183050.4 (MANE Select); 2271 bases downstream of the stop codon, G replaced by A.
Molecular consequence: 3 prime UTR variant. On other transcripts: non-coding transcript variant (1).
Genome position (GRCh38, 1-based): chr6:80,346,075, G>A. VCF-style: chr6-80346075-G-A. GRCh37 (hg19) VCF-style: chr6-81055792-G-A.
Other names: c.*109G>A (NM_000056.5); c.*2271G>A (NM_001318975.1).
Identifiers: ClinVar variation 358212 (VCV000358212.7), dbSNP rs15062, ClinGen allele CA10624849.
Genomic context (GRCh38, chr6:80,346,075, plus strand): 5'-CTGAATTTTTTTTTATATTTCCTCCGACTTACCTCTTTTTGAAAAGAGAGTTTTTATTAA[G>A]TGAACCATCACGATATTGGCTGAAAAGTTCTACATTCTATTATTGTATTGTAACACACAT-3'